The following is an entry in ClinVar:

Conditions:
Breast-ovarian cancer, familial, susceptibility to, 1 (BROVCA1). Also called: BRCA1 Hereditary Breast and Ovarian Cancer; OVARIAN CANCER, SUSCEPTIBILITY TO. Identifiers: Orphanet 145, MedGen C2676676, MONDO:0011450, OMIM 604370. Disease mechanism: loss of function.

Submission:

Brotman Baty Institute, University of Washington
No classification provided (evidence only). Condition: Breast-ovarian cancer, familial 1. Review status: no classification provided. Collection method: in vitro. Allele origin: not applicable. Functional consequence: functionally_normal.
ClinVar note: "not provided" was previously submitted as the classification for the variant. However, the classification appeared to be based only on an observation of functional data so it was converted to no classification on 2025-07-30.

NM_007294.4(BRCA1):c.5323A>C (p.Met1775Leu)

Gene: BRCA1 (BRCA1 DNA repair associated; minus strand). Cytogenetic location: 17q21.31.
Variant type: single nucleotide variant.
Coding change: c.5323A>C on transcript NM_007294.4 (MANE Select); coding-DNA position 5323, A replaced by C.
Protein change: p.Met1775Leu; replaces methionine 1775 with leucine.
Molecular consequence: missense variant. On other transcripts: non-coding transcript variant (1).
Genome position (GRCh38, 1-based): chr17:43,051,072, T>G on the plus strand (A>C on the coding strand, the complement: BRCA1 is on the minus strand). VCF-style: chr17-43051072-T-G. GRCh37 (hg19) VCF-style: chr17-41203089-T-G.
Other names: c.5110A>C, p.Met1704Leu (NM_001407571.1, NM_001407900.1, NM_001407902.1 and 12 more transcripts); c.5389A>C, p.Met1797Leu (NM_001407581.1, NM_001407582.1); c.5386A>C, p.Met1796Leu (NM_001407583.1, NM_001407585.1, NM_001407587.1 and 1 more transcripts); c.5383A>C, p.Met1795Leu (NM_001407590.1, NM_001407591.1); c.5323A>C, p.Met1775Leu (NM_001407593.1, NM_001407594.1, NM_001407596.1 and 6 more transcripts); c.5320A>C, p.Met1774Leu (NM_001407610.1, NM_001407611.1, NM_001407612.1 and 17 more transcripts); c.5317A>C, p.Met1773Leu (NM_001407628.1, NM_001407629.1, NM_001407630.1 and 14 more transcripts); c.5266A>C, p.Met1756Leu (NM_001407648.1); and 72 more; short protein forms M1775L, M1728L, M671L, M1796L, M1479L, M1646L, M1664L, M1703L.
Identifiers: ClinVar variation 868305 (VCV000868305.3), dbSNP rs2051198464, ClinGen allele CA10590906.